The following is an entry in ClinVar:

ClinVar aggregate classification (germline): Conflicting classifications of pathogenicity. Review status: criteria provided, conflicting classifications (1 of 4 stars). 4 submissions from 4 submitters: Likely pathogenic (1); Uncertain significance (1). 2 of the submissions do not count toward it. Last evaluated 2025-09-03.

Conditions:
Jeune thoracic dystrophy. Also called: Short-rib thoracic dysplasia; Jeune syndrome; Infantile thoracic dystrophy; Thoracic pelvic phalangeal dystrophy; Jeune's syndrome; Chondroectodermal dysplasia-like syndrome. Identifiers: Orphanet 474, MedGen C0265275, MONDO:0018770.
Asphyxiating thoracic dystrophy 3. Also called: SHORT-RIB THORACIC DYSPLASIA 3 WITH OR WITHOUT POLYDACTYLY; POLYDACTYLY WITH NEONATAL CHONDRODYSTROPHY, TYPE I; SHORT-RIB THORACIC DYSPLASIA 3/6 WITH POLYDACTYLY, DIGENIC; Saldino-Noonan Syndrome; Short rib polydactyly syndrome 2B. Identifiers: Orphanet 474, Orphanet 93269, Orphanet 93270, Orphanet 93271, MedGen C0036069, MONDO:0013127, OMIM 613091.

Allele frequency attached by ClinVar (database versions not stated): gnomAD 0.00001; TOPMed 0.00001; gnomAD exomes 0.00002; ExAC 0.00003.
gnomAD v4.1: 13 of 1,611,896 alleles (0.00081%); highest among the groups gnomAD compares: African/African-American, 0.0027%; no homozygotes.

Submissions (4):

Myriad Genetics, Inc.
Classification: Uncertain significance for Asphyxiating thoracic dystrophy 3. Last evaluated: 2025-09-03. Review status: criteria provided, single submitter. Criteria: Myriad Autosomal Dominant, Autosomal Recessive and X-Linked Classification Criteria (2023). Collection method: clinical testing. Allele origin: unknown.
Comment: NM_001377.2(DYNC2H1):c.7945G>T(G2649C) is a missense variant classified as a variant of uncertain significance in the context of DYNC2H1-related disorders. G2649C has been observed in a case with relevant disease (PMID: 29068549). Relevant functional assessments of this variant are not available in the literature. G2649C has been observed in referenced population frequency databases. In summary, there is insufficient evidence to classify NM_001377.2(DYNC2H1):c.7945G>T(G2649C) as pathogenic or benign. Please note: this variant was assessed in the context of healthy population screening.

Labcorp Genetics (formerly Invitae), Labcorp
Classification: Likely pathogenic for Jeune thoracic dystrophy. Last evaluated: 2024-02-14. Review status: criteria provided, single submitter. Criteria: Invitae Variant Classification Sherloc (09022015). Collection method: clinical testing. Allele origin: germline.
Comment: This sequence change replaces glycine, which is neutral and non-polar, with cysteine, which is neutral and slightly polar, at codon 2649 of the DYNC2H1 protein (p.Gly2649Cys). This variant is present in population databases (rs758155107, gnomAD 0.004%). This missense change has been observed in individual(s) with asphyxiating thoracic dystrophy (PMID: 29068549). In at least one individual the data is consistent with being in trans (on the opposite chromosome) from a pathogenic variant. ClinVar contains an entry for this variant (Variation ID: 446617). Advanced modeling of protein sequence and biophysical properties (such as structural, functional, and spatial information, amino acid conservation, physicochemical variation, residue mobility, and thermodynamic stability) performed at Invitae indicates that this missense variant is expected to disrupt DYNC2H1 protein function with a positive predictive value of 95%. Algorithms developed to predict the effect of sequence changes on RNA splicing suggest that this variant may create or strengthen a splice site. This variant disrupts the p.Gly2649 amino acid residue in DYNC2H1. Other variant(s) that disrupt this residue have been observed in individuals with DYNC2H1-related conditions (PMID: 34918830), which suggests that this may be a clinically significant amino acid residue. In summary, the currently available evidence indicates that the variant is pathogenic, but additional data are needed to prove that conclusively. Therefore, this variant has been classified as Likely Pathogenic.

Dan Cohn Lab, University Of California Los Angeles
Classification: Pathogenic for Asphyxiating thoracic dystrophy. Last evaluated: 2017-06-01. Review status: no assertion criteria provided. Collection method: research. Allele origin: paternal. Affected: yes. Not counted in ClinVar's aggregate classification.

University of Washington Center for Mendelian Genomics, University of Washington
Classification: Likely pathogenic for asphyxiating thoracic dystrophy. Review status: no assertion criteria provided. Collection method: research. Allele origin: inherited. Affected: yes. Not counted in ClinVar's aggregate classification.

Literature cited by the submitters: PubMed 29068549 (cited by 4 submitters); PubMed 34918830 (cited by Labcorp Genetics (formerly Invitae), Labcorp).

NM_001377.3(DYNC2H1):c.7945G>T (p.Gly2649Cys)

Gene: DYNC2H1 (dynein cytoplasmic 2 heavy chain 1; plus strand). Cytogenetic location: 11q22.3.
Variant type: single nucleotide variant.
Coding change: c.7945G>T on transcript NM_001377.3 (MANE Select); coding-DNA position 7945, G replaced by T.
Protein change: p.Gly2649Cys; replaces glycine 2649 with cysteine.
Molecular consequence: missense variant.
Genome position (GRCh38, 1-based): chr11:103,199,333, G>T. VCF-style: chr11-103199333-G-T. GRCh37 (hg19) VCF-style: chr11-103070062-G-T.
Other names: c.7945G>T, p.Gly2649Cys (NM_001080463.2); short protein forms G2649C.
Identifiers: ClinVar variation 446617 (VCV000446617.5), dbSNP rs758155107, ClinGen allele CA6254356.